The following is an entry in ClinVar:

ClinVar aggregate classification (germline): Uncertain significance. Review status: criteria provided, multiple submitters, no conflicts (2 of 4 stars). 3 submissions from 3 submitters: Uncertain significance (3). Last evaluated 2026-05-11.

Conditions:
RAI1-related disorder. Also called: RAI1-related condition.

gnomAD v4.1: 1 of 1,567,614 alleles (0.000064%); highest among the groups gnomAD compares: Non-Finnish European, 0.000087%; no homozygotes.

Submissions (3):

PreventionGenetics, part of Exact Sciences
Classification: Uncertain significance for RAI1-related condition. Last evaluated: 2026-05-11. Review status: criteria provided, single submitter. Criteria: ACMG Guidelines, 2015. Collection method: clinical testing. Allele origin: germline.
Comment: The RAI1 c.3200G>A variant is predicted to result in the amino acid substitution p.Arg1067His. To our knowledge, this variant has not been reported in the literature or in a large population database (gnomAD), indicating this variant is rare. At this time, the clinical significance of this variant is uncertain due to the absence of conclusive functional and genetic evidence.

Greenwood Genetic Center Diagnostic Laboratories, Greenwood Genetic Center
Classification: Uncertain significance. Last evaluated: 2025-02-21. Review status: criteria provided, single submitter. Criteria: ACMG Guidelines, 2015. Collection method: clinical testing. Allele origin: germline.
Comment: PS2, PM2, BP4

Labcorp Genetics (formerly Invitae), Labcorp
Classification: Uncertain significance. Last evaluated: 2023-03-17. Review status: criteria provided, single submitter. Criteria: Invitae Variant Classification Sherloc (09022015). Collection method: clinical testing. Allele origin: germline.
Comment: In summary, the available evidence is currently insufficient to determine the role of this variant in disease. Therefore, it has been classified as a Variant of Uncertain Significance. Advanced modeling of protein sequence and biophysical properties (such as structural, functional, and spatial information, amino acid conservation, physicochemical variation, residue mobility, and thermodynamic stability) performed at Invitae indicates that this missense variant is not expected to disrupt RAI1 protein function. This variant has not been reported in the literature in individuals affected with RAI1-related conditions. This variant is not present in population databases (gnomAD no frequency). This sequence change replaces arginine, which is basic and polar, with histidine, which is basic and polar, at codon 1067 of the RAI1 protein (p.Arg1067His).

NM_030665.4(RAI1):c.3200G>A (p.Arg1067His)

Gene: RAI1 (retinoic acid induced 1; plus strand). Cytogenetic location: 17p11.2.
Variant type: single nucleotide variant.
Coding change: c.3200G>A on transcript NM_030665.4 (MANE Select); coding-DNA position 3200, G replaced by A.
Protein change: p.Arg1067His; replaces arginine 1067 with histidine.
Molecular consequence: missense variant.
Genome position (GRCh38, 1-based): chr17:17,796,148, G>A. VCF-style: chr17-17796148-G-A. GRCh37 (hg19) VCF-style: chr17-17699462-G-A.
Other names: c.3200G>A (NM_030665.3); short protein forms R1067H.
Identifiers: ClinVar variation 2844041 (VCV002844041.5), dbSNP rs2508585836, ClinGen allele CA398553107.
Genomic context (GRCh38, chr17:17,796,148, plus strand): 5'-GGGCCTCGGAAGGGCTCCCCAGGATGTGTACTCGTTCTCTCACGGCCCTGAGTGAGCCCC[G>A]CACGCCCGGACCCCCAGGCCTGACCACCACCCCTGCACCCCCAGACAAACTGGGGGGCAA-3'
Protein context (NP_109590.3, residues 1057-1077): TRSLTALSEP[Arg1067His]TPGPPGLTTT